The following is an entry in ClinVar:

ClinVar aggregate classification (germline): Likely benign. Review status: criteria provided, multiple submitters, no conflicts (2 of 4 stars). 5 submissions from 5 submitters: Likely benign (5). Last evaluated 2026-04-24.

Conditions:
Cardiovascular phenotype. Identifiers: MedGen CN230736.
Brugada syndrome 8 (BRGDA8). Identifiers: Orphanet 130, MedGen C2751083, MONDO:0013148, OMIM 613123.

Allele frequency attached by ClinVar (database versions not stated): gnomAD exomes 0.00017; ExAC 0.00025; gnomAD 0.00043 and 0.00049; TOPMed 0.00045; 1000 Genomes Project 30x 0.00047; 1000 Genomes Project 0.00060.

Submissions (5):

Women's Health and Genetics/Laboratory Corporation of America, LabCorp
Classification: Likely benign. Last evaluated: 2026-04-24. Review status: criteria provided, single submitter. Criteria: LabCorp Variant Classification Summary - May 2015. Collection method: clinical testing. Allele origin: germline.

Molecular Diagnostic Laboratory for Inherited Cardiovascular Disease, Montreal Heart Institute
Classification: Likely benign. Last evaluated: 2026-03-27. Review status: criteria provided, single submitter. Criteria: ACMG Guidelines, 2015. Collection method: clinical testing. Allele origin: germline. Affected: no.
Comment: BS1, BS3_supp, BP6

Labcorp Genetics (formerly Invitae), Labcorp
Classification: Likely benign for Brugada syndrome 8. Last evaluated: 2026-01-18. Review status: criteria provided, single submitter. Criteria: Invitae Variant Classification Sherloc (09022015). Collection method: clinical testing. Allele origin: germline.

GeneDx
Classification: Likely benign. Last evaluated: 2020-10-28. Review status: criteria provided, single submitter. Criteria: GeneDx Variant Classification Process June 2021. Collection method: clinical testing. Allele origin: germline. Affected: yes.

Ambry Genetics
Classification: Likely benign for Cardiovascular phenotype. Last evaluated: 2019-02-28. Review status: criteria provided, single submitter. Criteria: Ambry Variant Classification Scheme 2023. Collection method: clinical testing. Allele origin: germline.

NM_005477.3(HCN4):c.3187C>A (p.Pro1063Thr)

Gene: HCN4 (hyperpolarization activated cyclic nucleotide gated potassium channel 4; minus strand). Cytogenetic location: 15q24.1.
Variant type: single nucleotide variant.
Coding change: c.3187C>A on transcript NM_005477.3 (MANE Select); coding-DNA position 3187, C replaced by A.
Protein change: p.Pro1063Thr; replaces proline 1063 with threonine.
Molecular consequence: missense variant.
Genome position (GRCh38, 1-based): chr15:73,322,906, G>T on the plus strand (C>A on the coding strand, the complement: HCN4 is on the minus strand). VCF-style: chr15-73322906-G-T. GRCh37 (hg19) VCF-style: chr15-73615247-G-T.
Other names: short protein forms P1063T.
Identifiers: ClinVar variation 404116 (VCV000404116.21), dbSNP rs535227661, ClinGen allele CA7648874.